The following is an entry in ClinVar:

ClinVar aggregate classification (germline): Conflicting classifications of pathogenicity. Review status: criteria provided, conflicting classifications (1 of 4 stars). 3 submissions from 3 submitters: Likely pathogenic (1); Uncertain significance (2). Last evaluated 2024-12-18.

Conditions:
CACNA1F-related disorder. Also called: CACNA1F-related condition.
Congenital stationary night blindness 2A (CSNB2A). Also called: CSNB, INCOMPLETE, X-LINKED; CACNA1F-Related X-Linked Congenital Stationary Night Blindness; NIGHT BLINDNESS, CONGENITAL STATIONARY, TYPE 2; Night blindness, congenital stationary (incomplete), 2A, X-linked. Identifiers: Orphanet 215, MedGen C1848172, MONDO:0010241, OMIM 300071.

Submissions (3):

MVZ Martinsried, Medicover Genetics
Classification: Uncertain significance for Congenital stationary night blindness 2A. Last evaluated: 2024-12-18. Review status: criteria provided, single submitter. Criteria: ACGS Guidelines, 2020. Collection method: clinical testing. Allele origin: unknown. Affected: yes.

Labcorp Genetics (formerly Invitae), Labcorp
Classification: Uncertain significance. Last evaluated: 2022-02-17. Review status: criteria provided, single submitter. Criteria: Invitae Variant Classification Sherloc (09022015). Collection method: clinical testing. Allele origin: germline.
Comment: This sequence change replaces serine, which is neutral and polar, with tyrosine, which is neutral and polar, at codon 655 of the CACNA1F protein (p.Ser655Tyr). This variant is not present in population databases (gnomAD no frequency). This variant has not been reported in the literature in individuals affected with CACNA1F-related conditions. Algorithms developed to predict the effect of missense changes on protein structure and function are either unavailable or do not agree on the potential impact of this missense change (SIFT: "Deleterious"; PolyPhen-2: "Probably Damaging"; Align-GVGD: "Class C15"). Algorithms developed to predict the effect of sequence changes on RNA splicing suggest that this variant is not likely to affect RNA splicing. In summary, the available evidence is currently insufficient to determine the role of this variant in disease. Therefore, it has been classified as a Variant of Uncertain Significance.

Blueprint Genetics
Classification: Likely pathogenic for CACNA1F-related disorders. Last evaluated: 2022-01-24. Review status: criteria provided, single submitter. Criteria: ACMG Guidelines, 2015. Collection method: clinical testing. Allele origin: germline. Affected: yes. Observed: 1 variant allele.

NM_001256789.3(CACNA1F):c.1931C>A (p.Ser644Tyr)

Gene: CACNA1F (calcium voltage-gated channel subunit alpha1 F; minus strand). Cytogenetic location: Xp11.23.
Variant type: single nucleotide variant.
Coding change: c.1931C>A on transcript NM_001256789.3 (MANE Select); coding-DNA position 1931, C replaced by A.
Protein change: p.Ser644Tyr; replaces serine 644 with tyrosine.
Molecular consequence: missense variant.
Genome position (GRCh38, 1-based): chrX:49,223,083, G>T on the plus strand (C>A on the coding strand, the complement: CACNA1F is on the minus strand). VCF-style: chrX-49223083-G-T. GRCh37 (hg19) VCF-style: chrX-49079542-G-T.
Other names: c.1769C>A, p.Ser590Tyr (NM_001256790.3); c.1964C>A, p.Ser655Tyr (NM_005183.4); short protein forms S644Y, S655Y, S590Y.
Identifiers: ClinVar variation 2097890 (VCV002097890.6), dbSNP rs782443972, ClinGen allele CA412912681.